The following is an entry in ClinVar:

ClinVar aggregate classification (germline): Uncertain significance (1 of 4 stars; one submission).

Conditions:
Congenital contractural arachnodactyly (CCA). Also called: Beals-Hecht syndrome; BEALS SYNDROME; Arthrogryposis, distal, type 9. Identifiers: Orphanet 115, MedGen C0220668, MONDO:0007363, OMIM 121050.

Submission:

Labcorp Genetics (formerly Invitae), Labcorp
Classification: Uncertain significance for Congenital contractural arachnodactyly. Last evaluated: 2025-07-21. Review status: criteria provided, single submitter. Criteria: Invitae Variant Classification Sherloc (09022015). Collection method: clinical testing. Allele origin: germline.
Comment: This sequence change replaces asparagine, which is neutral and polar, with histidine, which is basic and polar, at codon 2740 of the FBN2 protein (p.Asn2740His). This variant is not present in population databases (gnomAD no frequency). This variant has not been reported in the literature in individuals affected with FBN2-related conditions. Invitae Evidence Modeling of protein sequence and biophysical properties (such as structural, functional, and spatial information, amino acid conservation, physicochemical variation, residue mobility, and thermodynamic stability) indicates that this missense variant is not expected to disrupt FBN2 protein function with a negative predictive value of 80%. In summary, the available evidence is currently insufficient to determine the role of this variant in disease. Therefore, it has been classified as a Variant of Uncertain Significance.

NM_001999.4(FBN2):c.8218A>C (p.Asn2740His)

Gene: FBN2 (fibrillin 2; minus strand). Cytogenetic location: 5q23.3.
Variant type: single nucleotide variant.
Coding change: c.8218A>C on transcript NM_001999.4 (MANE Select); coding-DNA position 8218, A replaced by C.
Protein change: p.Asn2740His; replaces asparagine 2740 with histidine.
Molecular consequence: missense variant.
Genome position (GRCh38, 1-based): chr5:128,261,882, T>G on the plus strand (A>C on the coding strand, the complement: FBN2 is on the minus strand). VCF-style: chr5-128261882-T-G. GRCh37 (hg19) VCF-style: chr5-127597574-T-G.
Other names: short protein forms N2740H.
Identifiers: ClinVar variation 4768613 (VCV004768613.1).